The following is an entry in ClinVar:

NM_001367561.1(DOCK7):c.3761C>T (p.Pro1254Leu)

Gene: DOCK7 (dedicator of cytokinesis 7; minus strand). Cytogenetic location: 1p31.3.
Variant type: single nucleotide variant.
Coding change: c.3761C>T on transcript NM_001367561.1 (MANE Select); coding-DNA position 3761, C replaced by T.
Protein change: p.Pro1254Leu; replaces proline 1254 with leucine.
Molecular consequence: missense variant.
Genome position (GRCh38, 1-based): chr1:62,529,297, G>A on the plus strand (C>T on the coding strand, the complement: DOCK7 is on the minus strand). VCF-style: chr1-62529297-G-A. GRCh37 (hg19) VCF-style: chr1-62994968-G-A.
Other names: c.3668C>T (NM_033407.2); c.3761C>T, p.Pro1254Leu (NM_001271999.2, NM_001330614.2); c.3668C>T, p.Pro1223Leu (NM_001272000.2, NM_001272001.2, NM_033407.4); short protein forms P1223L, P1254L.
Identifiers: ClinVar variation 853438 (VCV000853438.36), dbSNP rs1427395524, ClinGen allele CA340600502.

ClinVar aggregate classification (germline): Uncertain significance. Review status: criteria provided, multiple submitters, no conflicts (2 of 4 stars). 4 submissions from 4 submitters: Uncertain significance (4). Last evaluated 2025-06-19.

Conditions:
Inborn genetic diseases. Identifiers: MedGen C0950123, MeSH D030342.
Developmental and epileptic encephalopathy, 23 (DEE23). Also called: Epileptic encephalopathy, early infantile, 23. Identifiers: Orphanet 411986, MedGen C4014492, MONDO:0014371, OMIM 615859.

Allele frequency attached by ClinVar (database versions not stated): gnomAD exomes below 0.00001; TOPMed below 0.00001; gnomAD 0.00001.
gnomAD v4.1: 4 of 1,608,662 alleles (0.00025%); highest among the groups gnomAD compares: African/African-American, 0.004%; no homozygotes.

Submissions (4):

Labcorp Genetics (formerly Invitae), Labcorp
Classification: Uncertain significance for Developmental and epileptic encephalopathy, 23. Last evaluated: 2025-06-19. Review status: criteria provided, single submitter. Criteria: Invitae Variant Classification Sherloc (09022015). Collection method: clinical testing. Allele origin: germline.
Comment: This sequence change replaces proline, which is neutral and non-polar, with leucine, which is neutral and non-polar, at codon 1254 of the DOCK7 protein (p.Pro1254Leu). This variant is present in population databases (no rsID available, gnomAD 0.004%). This variant has not been reported in the literature in individuals affected with DOCK7-related conditions. ClinVar contains an entry for this variant (Variation ID: 853438). Invitae Evidence Modeling of protein sequence and biophysical properties (such as structural, functional, and spatial information, amino acid conservation, physicochemical variation, residue mobility, and thermodynamic stability) indicates that this missense variant is expected to disrupt DOCK7 protein function with a positive predictive value of 80%. In summary, the available evidence is currently insufficient to determine the role of this variant in disease. Therefore, it has been classified as a Variant of Uncertain Significance.

Ambry Genetics
Classification: Uncertain significance for Inborn genetic diseases. Last evaluated: 2023-12-26. Review status: criteria provided, single submitter. Criteria: Ambry Variant Classification Scheme 2023. Collection method: clinical testing. Allele origin: germline.

Genome-Nilou Lab
Classification: Uncertain significance for Developmental and epileptic encephalopathy, 23. Last evaluated: 2023-04-11. Review status: criteria provided, single submitter. Criteria: ACMG Guidelines, 2015. Collection method: clinical testing. Allele origin: germline. Affected: no.

CeGaT Center for Human Genetics Tuebingen
Classification: Uncertain significance. Last evaluated: 2022-11-01. Review status: criteria provided, single submitter. Criteria: CeGaT Center For Human Genetics Tuebingen Variant Classification Criteria Version 2. Collection method: clinical testing. Allele origin: germline. Affected: yes. Observed: 1 variant allele.
Comment: DOCK7: PM2, PP2